The following is an entry in ClinVar:

NM_001354604.2(MITF):c.*1941A>G

Gene: MITF (melanocyte inducing transcription factor; plus strand). Cytogenetic location: 3p13.
Variant type: single nucleotide variant.
Coding change: c.*1941A>G on transcript NM_001354604.2 (MANE Select); 1941 bases downstream of the stop codon, A replaced by G.
Molecular consequence: 3 prime UTR variant.
Genome position (GRCh38, 1-based): chr3:69,967,189, A>G. VCF-style: chr3-69967189-A-G. GRCh37 (hg19) VCF-style: chr3-70016340-A-G.
Other names: c.*1941A>G (NM_006722.3, NM_198158.3, NM_198159.3 and 8 more transcripts).
Identifiers: ClinVar variation 899518 (VCV000899518.4), dbSNP rs192503700, ClinGen allele CA77003721.

ClinVar aggregate classification (germline): Benign/Likely benign. Review status: criteria provided, single submitter (1 of 4 stars). 2 submissions from 1 submitter: Benign (1); Likely benign (1). Last evaluated 2018-01-13.

Conditions:
Tietz syndrome (TADS). Also called: ALBINISM-DEAFNESS OF TIETZ; HYPOPIGMENTATION/DEAFNESS OF TIETZ; TIETZ ALBINISM-DEAFNESS SYNDROME. Identifiers: Orphanet 42665, MedGen C0391816, MONDO:0007077, OMIM 103500.
Waardenburg syndrome type 2A (WS2A). Also called: WAARDENBURG SYNDROME WITHOUT DYSTOPIA CANTHORUM. Identifiers: Orphanet 3440, MedGen C1860339, MONDO:0008671, OMIM 193510.

Allele frequency attached by ClinVar (database versions not stated): gnomAD exomes 0.00003; TOPMed 0.00005; 1000 Genomes Project 30x 0.00078; 1000 Genomes Project 0.00080; gnomAD 0.00096 and 0.00100.
gnomAD v4.1: 147 of 232,484 alleles (0.063%); highest among the groups gnomAD compares: Non-Finnish European, 0.02%; 1 homozygote.

Submissions (2):

Illumina Laboratory Services, Illumina
Classification: Benign for Tietz syndrome. Last evaluated: 2018-01-13. Review status: criteria provided, single submitter. Criteria: ICSL Variant Classification Criteria 13 December 2019. Collection method: clinical testing. Allele origin: germline.
Comment: This variant was observed in the ICSL laboratory as part of a predisposition screen in an ostensibly healthy population. It had not been previously curated by ICSL or reported in the Human Gene Mutation Database (HGMD: prior to June 1st, 2018), and was therefore a candidate for classification through an automated scoring system. Utilizing variant allele frequency, disease prevalence and penetrance estimates, and inheritance mode, an automated score was calculated to assess if this variant is too frequent to cause the disease. Based on the score and internal cut-off values, a variant classified as benign is not then subjected to further curation. The score for this variant resulted in a classification of benign for this disease.

Illumina Laboratory Services, Illumina
Classification: Likely benign for Waardenburg syndrome type 2A. Last evaluated: 2018-01-13. Review status: criteria provided, single submitter. Criteria: ICSL Variant Classification Criteria 13 December 2019. Collection method: clinical testing. Allele origin: germline.
Comment: This variant was observed in the ICSL laboratory as part of a predisposition screen in an ostensibly healthy population. It had not been previously curated by ICSL or reported in the Human Gene Mutation Database (HGMD: prior to June 1st, 2018), and was therefore a candidate for classification through an automated scoring system. Utilizing variant allele frequency, disease prevalence and penetrance estimates, and inheritance mode, an automated score was calculated to assess if this variant is too frequent to cause the disease. Based on the score and internal cut-off values, a variant classified as likely benign is not then subjected to further curation. The score for this variant resulted in a classification of likely benign for this disease.